The following is an entry in ClinVar:

NM_000875.5(IGF1R):c.*3440G>A

Gene: IGF1R (insulin like growth factor 1 receptor; plus strand). Cytogenetic location: 15q26.3.
Variant type: single nucleotide variant.
Coding change: c.*3440G>A on transcript NM_000875.5 (MANE Select); 3440 bases downstream of the stop codon, G replaced by A.
Molecular consequence: 3 prime UTR variant.
Genome position (GRCh38, 1-based): chr15:98,960,882, G>A. VCF-style: chr15-98960882-G-A. GRCh37 (hg19) VCF-style: chr15-99504111-G-A.
Other names: c.*3440G>A (NM_001291858.2).
Identifiers: ClinVar variation 317554 (VCV000317554.5), dbSNP rs146062117, ClinGen allele CA10642750.

ClinVar aggregate classification (germline): Likely benign (1 of 4 stars; one submission).

Conditions:
Growth delay due to insulin-like growth factor I resistance. Also called: Somatomedin end-organ insensitivity to; Somatomedin-c resistance to; IGF-1 resistance; IGF-I RESISTANCE; Insulin-Like Growth Factor I Resistance. Identifiers: Orphanet 73273, MedGen C1849157, MONDO:0010038, OMIM 270450.

Allele frequency attached by ClinVar (database versions not stated): gnomAD exomes 0.00211; 1000 Genomes Project 30x 0.00265; 1000 Genomes Project 0.00280; TOPMed 0.00094.
gnomAD v4.1: 289 of 233,876 alleles (0.12%); highest among the groups gnomAD compares: East Asian, 1.2%; 3 homozygotes.

Submission:

Illumina Laboratory Services, Illumina
Classification: Likely benign for Growth delay due to insulin-like growth factor I resistance. Last evaluated: 2018-01-12. Review status: criteria provided, single submitter. Criteria: ICSL Variant Classification Criteria 13 December 2019. Collection method: clinical testing. Allele origin: germline.
Comment: This variant was observed in the ICSL laboratory as part of a predisposition screen in an ostensibly healthy population. It had not been previously curated by ICSL or reported in the Human Gene Mutation Database (HGMD: prior to June 1st, 2018), and was therefore a candidate for classification through an automated scoring system. Utilizing variant allele frequency, disease prevalence and penetrance estimates, and inheritance mode, an automated score was calculated to assess if this variant is too frequent to cause the disease. Based on the score and internal cut-off values, a variant classified as likely benign is not then subjected to further curation. The score for this variant resulted in a classification of likely benign for this disease.